The following is an entry in ClinVar:

ClinVar aggregate classification (germline): Pathogenic/Likely pathogenic. Review status: criteria provided, multiple submitters, no conflicts (2 of 4 stars). 11 submissions from 11 submitters: Pathogenic (3); Likely pathogenic (3). 5 of the submissions do not count toward it. Last evaluated 2026-01-24.

Conditions:
CFTR-related disorder (CFTR-RD). Also called: CFTR-related condition; CFTR-related disorders. Identifiers: MedGen C5924204, MONDO:7770004.
Hereditary pancreatitis (PCTT). Also called: PRSS1-Related Hereditary Pancreatitis; Hereditary chronic pancreatitis. Identifiers: Orphanet 676, MedGen C0238339, MONDO:0008185, OMIM 167800.
Congenital bilateral aplasia of vas deferens from CFTR mutation (CBAVD). Identifiers: Orphanet 48, MedGen C0403814, MONDO:0010178, OMIM 277180. Disease mechanism: loss of function.
Bronchiectasis with or without elevated sweat chloride 1 (BESC1). Also called: Cystic Fibrosis-Like Syndrome. Identifiers: Orphanet 60033, MedGen C2749757, MONDO:0008887, OMIM 211400.
Cystic fibrosis (CF). Also called: MUCOVISCIDOSIS. Identifiers: Orphanet 586, MedGen C0010674, MONDO:0009061, OMIM 219700. Disease mechanism: loss of function.

Allele frequency attached by ClinVar (database versions not stated): ExAC 0.00003; gnomAD 0.00003; gnomAD exomes 0.00004 and 0.00010; TOPMed 0.00005; ESP Exome Variant Server 0.00008; 1000 Genomes Project 30x 0.00016.
gnomAD v4.1: 146 of 1,522,558 alleles (0.0096%); highest among the groups gnomAD compares: Non-Finnish European, 0.013%; no homozygotes.

Submissions (11):

Labcorp Genetics (formerly Invitae), Labcorp
Classification: Pathogenic for Cystic fibrosis. Last evaluated: 2026-01-24. Review status: criteria provided, single submitter. Criteria: Invitae Variant Classification Sherloc (09022015). Collection method: clinical testing. Allele origin: germline.
Comment: This sequence change replaces leucine, which is neutral and non-polar, with phenylalanine, which is neutral and non-polar, at codon 375 of the CFTR protein (p.Leu375Phe). This variant is present in population databases (rs73215912, gnomAD 0.01%). This missense change has been observed in individual(s) with congenital absence of vas deferens in the homozygous state or in combination with another CFTR variant (PMID: 8834261, 9272157, 11101688, 15905293, 18796364). In at least one individual the data is consistent with being in trans (on the opposite chromosome) from a pathogenic variant. ClinVar contains an entry for this variant (Variation ID: 53196). Invitae Evidence Modeling of protein sequence and biophysical properties (such as structural, functional, and spatial information, amino acid conservation, physicochemical variation, residue mobility, and thermodynamic stability) indicates that this missense variant is expected to disrupt CFTR protein function with a positive predictive value of 80%. For these reasons, this variant has been classified as Pathogenic.

Ambry Genetics
Classification: Likely pathogenic for Cystic fibrosis. Last evaluated: 2024-12-12. Review status: criteria provided, single submitter. Criteria: Ambry Variant Classification Scheme 2023. Collection method: clinical testing. Allele origin: germline.
Comment: The p.L375F variant (also known as c.1125A>C), located in coding exon 9 of the CFTR gene, results from an A to C substitution at nucleotide position 1125. The leucine at codon 375 is replaced by phenylalanine, an amino acid with highly similar properties. This variant has been reported in multiple men with congenital unilateral and bilateral absence of the vas deferens and a second CFTR alteration, including two cases with phase confirmed in trans (J&eacute;z&eacute;quel P et al. Hum. Genet., 1996 Apr;97:548-9; D&ouml;rk T et al. Hum Genet, 1997 Sep;100:365-77; J&eacute;z&eacute;quel P et al. Mol. Hum. Reprod., 2000 Dec;6:1063-7; Wu CC et al. Hum Reprod, 2005 Sep;20:2470-5; Chiang HS et al. J. Formos. Med. Assoc., 2008 Sep;107:736-40). This alteration has also been observed in individuals with cystic fibrosis or recurrent pancreatitis (Fa&agrave; V et al. J Mol Diagn, 2006 Sep;8:499-503; Palermo JJ et al. Pancreas, 2016 10;45:1347-52). This amino acid position is highly conserved in available vertebrate species. In addition, this alteration is predicted to be deleterious by in silico analysis. Based on available evidence to date, this variant is unlikely to be causative of classic cystic fibrosis; however, it likely contributes to the development of a CFTR-related disorder. This alteration is thus classified as likely pathogenic.

Blueprint Genetics
Classification: Pathogenic for CFTR-related disorders. Last evaluated: 2024-10-01. Review status: criteria provided, single submitter. Criteria: ACMG Guidelines, 2015. Collection method: clinical testing. Allele origin: germline. Affected: yes. Observed: 5 variant alleles.

ARUP Laboratories, Molecular Genetics and Genomics, ARUP Laboratories
Classification: Likely pathogenic for Cystic fibrosis; Bronchiectasis with or without elevated sweat chloride 1; Hereditary pancreatitis; Congenital bilateral aplasia of vas deferens from CFTR mutation. Last evaluated: 2024-09-25. Review status: criteria provided, single submitter. Criteria: ARUP Molecular Germline Variant Investigation Process 2024. Collection method: clinical testing. Allele origin: germline.
Comment: The CFTR c.1125A>C; p.Leu375Phe variant (rs73215912, ClinVar Variation ID: 53196), is reported in multiple individuals with congenital bilateral absence of the vas deferens (CBAVD) or pancreatitis, including some individuals with a second pathogenic CFTR variant (Chiang 2008, Jezequel 1996, Jezequel 2000, Li 2012, Mieusset 2020, Palermo 2016, Wu 2005). This variant is found in the non-Finnish European population with an allele frequency of 0.0088% (10/113116 alleles) in the Genome Aggregation Database (v2.1.1). Additionally, another amino acid substitution at this codon (c.1124T>C; p.Leu375Ser) has been reported in an individual with CBAVD (Wang 2020). Computational analyses predict that Leu375Phe variant is deleterious (REVEL: 0.8). Based on available information, this variant is considered to be likely pathogenic-mild. References: Chiang HS et al. CFTR mutation analysis of a Caucasian father with congenital bilateral absence of vas deferens, a Taiwanese mother, and twins resulting from ICSI procedure. J Formos Med Assoc. 2008 Sep;107(9):736-40. PMID: 18796364. Jezequel P et al. Identification of a novel mutation in CFTR gene exon 8 (L375F) in a CUAVD phenotype. Hum Genet. 1996 Apr;97(4):548-9. PMID: 8834261. Jezequel P et al. Molecular screening of the CFTR gene in men with anomalies of the vas deferens: identification of three novel mutations. Mol Hum Reprod. 2000 Dec;6(12):1063-7. PMID: 11101688. Li H et al. Mutations in the cystic fibrosis transmembrane conductance regulator (CFTR) in Chinese patients with congenital bilateral absence of vas deferens. J Cyst Fibros. 2012 Jul;11(4):316-23. PMID: 22483971. Mieusset R et al. Male partners of infertile couples with congenital unilateral absence of the vas deferens are mainly non-azoospermic. Andrology. 2020 May;8(3):645-653. PMID: 31872980. Palermo JJ et al. Genophenotypic Analysis of Pediatric Patients With Acute Recurrent and Chronic Pancreatitis. Pancreas. 2016 Oct;45(9):1347-52. PMID: 27171515. Wang H et al. Genetic diagnosis and sperm retrieval outcomes for Chinese patients with congenital bilateral absence of vas deferens. Andrology. 2020 Sep. PMID: 32020786. Wu CC et al. Mutation spectrum of the CFTR gene in Taiwanese patients with congenital bilateral absence of the vas deferens. Hum Reprod. 2005 Sep;20(9):2470-5. PMID: 15905293.

Baylor Genetics
Classification: Likely pathogenic for Bronchiectasis with or without elevated sweat chloride 1. Last evaluated: 2023-09-19. Review status: criteria provided, single submitter. Criteria: ACMG Guidelines, 2015. Collection method: clinical testing. Allele origin: unknown.

Women's Health and Genetics/Laboratory Corporation of America, LabCorp
Classification: Pathogenic for Congenital bilateral aplasia of vas deferens from CFTR mutation. Last evaluated: 2023-04-24. Review status: criteria provided, single submitter. Criteria: LabCorp Variant Classification Summary - May 2015. Collection method: clinical testing. Allele origin: germline.
Comment: Variant summary: CFTR c.1125A>C (p.Leu375Phe) results in a non-conservative amino acid change in the encoded protein sequence. Five of five in-silico tools predict a damaging effect of the variant on protein function. The variant allele was found at a frequency of 4.4e-05 in 250222 control chromosomes, predominantly at a frequency of 8.8e-05 within the Non-Finnish European subpopulation in the gnomAD database. This frequency is not significantly higher than estimated for a pathogenic variant in CFTR causing Congenital Bilateral Absence Of The Vas Deferens (4.4e-05 vs 0.013), allowing no conclusion about variant significance. c.1125A>C has been reported in the literature in individuals affected with Congenital Unilateral- (Jezequel_2000) and Bilateral Absence of the Vas Deferens (Dork_1997, Jezequel_2000, Wu_2005) and azoospermia (Mieusset_2019). These data indicate that the variant is likely to be associated with disease. The variant has also been reported in a patient with cystic fibrosis (Faa_2006) and in an individual with chronic pancreatitis (Palermo_2016). To our knowledge, no experimental evidence demonstrating an impact on protein function has been reported. Seven clinical diagnostic laboratories have submitted clinical-significance assessments for this variant to ClinVar after 2014 and classified the variant as VUS (n=5) and pathogenic (n=1)/likely pathogenic (n=1). Based on the evidence outlined above, the variant was classified as pathogenic.

Natera, Inc.
Classification: Uncertain significance for Cystic Fibrosis. Last evaluated: 2020-10-20. Review status: no assertion criteria provided. Collection method: clinical testing. Allele origin: germline. Not counted in ClinVar's aggregate classification.

ClinVar Staff, National Center for Biotechnology Information (NCBI)
No classification provided. Condition: CFTR-related disorders. Review status: no classification provided. Collection method: literature only. Allele origin: germline. Affected: yes. Not counted in ClinVar's aggregate classification.

Genome-Nilou Lab
Classification: Uncertain significance for Cystic fibrosis. Last evaluated: 2021-07-22. Review status: flagged submission. Criteria: ACMG Guidelines, 2015. Collection method: clinical testing. Allele origin: germline. Affected: no. Not counted in ClinVar's aggregate classification.
ClinVar note: Reason: Claim with insufficient supporting evidence

Johns Hopkins Genomics, Johns Hopkins University
Classification: Uncertain significance for Cystic fibrosis. Last evaluated: 2020-05-08. Review status: flagged submission. Criteria: ACMG Guidelines, 2015. Collection method: clinical testing. Allele origin: germline. Not counted in ClinVar's aggregate classification.
Comment: CFTR c.1125A>C has been identified in multiple individuals with congenital absence of the vas deferens. There is an entry in ClinVar for this variant. This CFTR variant (rs73215912) is rare (<0.1%) in a large population dataset (gnomAD: 10/250100 total alleles; 0.004%; no homozygotes). Three bioinformatic tools queried predict that this substitution would probably be damaging and the leucine residue at this position is evolutionarily conserved across all species assessed. We consider the clinical significance of c.1125C>A to be uncertain at this time.
ClinVar note: Reason: Claim with insufficient supporting evidence

Counsyl
Classification: Uncertain significance for Cystic fibrosis. Last evaluated: 2017-02-14. Review status: flagged submission. Collection method: clinical testing. Allele origin: unknown. Not counted in ClinVar's aggregate classification.
ClinVar note: Reason: Older claim that does not account for recent evidence

Literature cited by the submitters: PubMed 8834261 (cited by 4 submitters); PubMed 9272157 (cited by 4 submitters); PubMed 11101688 (cited by 4 submitters); PubMed 15905293 (cited by 3 submitters); PubMed 18796364 (cited by 4 submitters); PubMed 16931591 (cited by 3 submitters); PubMed 27171515 (cited by Ambry Genetics and Women's Health and Genetics/Laboratory Corporation of America, LabCorp); PubMed 18687795 (cited by Women's Health and Genetics/Laboratory Corporation of America, LabCorp); PubMed 20059485 (cited by Women's Health and Genetics/Laboratory Corporation of America, LabCorp and ClinVar Staff, National Center for Biotechnology Information (NCBI)); PubMed 22995991 (cited by Women's Health and Genetics/Laboratory Corporation of America, LabCorp); PubMed 22483971 (cited by Women's Health and Genetics/Laboratory Corporation of America, LabCorp); PubMed 11504857 (cited by Women's Health and Genetics/Laboratory Corporation of America, LabCorp); PubMed 25735457 (cited by Women's Health and Genetics/Laboratory Corporation of America, LabCorp); PubMed 25880441 (cited by Women's Health and Genetics/Laboratory Corporation of America, LabCorp); PubMed 25905921 (cited by Women's Health and Genetics/Laboratory Corporation of America, LabCorp); PubMed 31872980 (cited by Women's Health and Genetics/Laboratory Corporation of America, LabCorp).

NM_000492.4(CFTR):c.1125A>C (p.Leu375Phe)

Gene: CFTR (CF transmembrane conductance regulator; plus strand). Cytogenetic location: 7q31.2.
Variant type: single nucleotide variant.
Coding change: c.1125A>C on transcript NM_000492.4 (MANE Select); coding-DNA position 1125, A replaced by C.
Protein change: p.Leu375Phe; replaces leucine 375 with phenylalanine.
Molecular consequence: missense variant.
Genome position (GRCh38, 1-based): chr7:117,542,024, A>C. VCF-style: chr7-117542024-A-C. GRCh37 (hg19) VCF-style: chr7-117182078-A-C.
Other names: short protein forms L375F.
Identifiers: ClinVar variation 53196 (VCV000053196.30), dbSNP rs73215912, ClinGen allele CA326410.